The following is an entry in ClinVar:

NM_004629.2(FANCG):c.1481G>T (p.Gly494Val)

Gene: FANCG (FA complementation group G; minus strand). Cytogenetic location: 9p13.3.
Variant type: single nucleotide variant.
Coding change: c.1481G>T on transcript NM_004629.2 (MANE Select); coding-DNA position 1481, G replaced by T.
Protein change: p.Gly494Val; replaces glycine 494 with valine.
Molecular consequence: missense variant.
Genome position (GRCh38, 1-based): chr9:35,075,082, C>A on the plus strand (G>T on the coding strand, the complement: FANCG is on the minus strand). VCF-style: chr9-35075082-C-A. GRCh37 (hg19) VCF-style: chr9-35075079-C-A.
Other names: c.1481G>T (NM_004629.1); short protein forms G494V.
Identifiers: ClinVar variation 1436767 (VCV001436767.9), dbSNP rs770011456, ClinGen allele CA373305263.

ClinVar aggregate classification (germline): Uncertain significance. Review status: criteria provided, multiple submitters, no conflicts (2 of 4 stars). 2 submissions from 2 submitters: Uncertain significance (2). Last evaluated 2024-12-09.

Conditions:
Fanconi anemia (FA). Also called: Fanconi's anemia. Identifiers: Orphanet 84, MedGen C0015625, MeSH D005199, MONDO:0019391.
Inborn genetic diseases. Identifiers: MedGen C0950123, MeSH D030342.

gnomAD v4.1: 6 of 1,613,894 alleles (0.00037%); highest among the groups gnomAD compares: Non-Finnish European, 0.00025%; no homozygotes.

Submissions (2):

Ambry Genetics
Classification: Uncertain significance for Inborn genetic diseases. Last evaluated: 2024-12-09. Review status: criteria provided, single submitter. Criteria: Ambry Variant Classification Scheme 2023. Collection method: clinical testing. Allele origin: germline.
Comment: The p.G494V variant (also known as c.1481G>T) is located in coding exon 12 of the FANCG gene. The glycine at codon 494 is replaced by valine, an amino acid with dissimilar properties. This change occurs in the first base pair of coding exon 12. This amino acid position is conserved. In addition, this alteration is predicted to be tolerated by in silico analysis. Based on the available evidence, the clinical significance of this variant remains unclear.

Labcorp Genetics (formerly Invitae), Labcorp
Classification: Uncertain significance for Fanconi anemia. Last evaluated: 2021-10-05. Review status: criteria provided, single submitter. Criteria: Invitae Variant Classification Sherloc (09022015). Collection method: clinical testing. Allele origin: germline.
Comment: In summary, the available evidence is currently insufficient to determine the role of this variant in disease. Therefore, it has been classified as a Variant of Uncertain Significance. Algorithms developed to predict the effect of sequence changes on RNA splicing suggest that this variant may disrupt the consensus splice site, but this prediction has not been confirmed by published transcriptional studies. Algorithms developed to predict the effect of missense changes on protein structure and function are either unavailable or do not agree on the potential impact of this missense change (SIFT: "Tolerated"; PolyPhen-2: "Probably Damaging"; Align-GVGD: "Class C0"). This variant has not been reported in the literature in individuals with FANCG-related conditions. This variant is not present in population databases (ExAC no frequency). This sequence change replaces glycine with valine at codon 494 of the FANCG protein (p.Gly494Val). The glycine residue is moderately conserved and there is a moderate physicochemical difference between glycine and valine.